The following is an entry in ClinVar:

ClinVar aggregate classification (germline): Uncertain significance (1 of 4 stars; one submission).

Submission:

Labcorp Genetics (formerly Invitae), Labcorp
Classification: Uncertain significance. Last evaluated: 2025-10-01. Review status: criteria provided, single submitter. Criteria: Invitae Variant Classification Sherloc (09022015). Collection method: clinical testing. Allele origin: germline.
Comment: This sequence change replaces serine, which is neutral and polar, with glycine, which is neutral and non-polar, at codon 217 of the FGFR3 protein (p.Ser217Gly). This variant is not present in population databases (gnomAD no frequency). This variant has not been reported in the literature in individuals affected with FGFR3-related conditions. Invitae Evidence Modeling of protein sequence and biophysical properties (such as structural, functional, and spatial information, amino acid conservation, physicochemical variation, residue mobility, and thermodynamic stability) has been performed for this missense variant. However, the output from this modeling did not meet the statistical confidence thresholds required to predict the impact of this variant on FGFR3 protein function. In summary, the available evidence is currently insufficient to determine the role of this variant in disease. Therefore, it has been classified as a Variant of Uncertain Significance.

NM_000142.5(FGFR3):c.649A>G (p.Ser217Gly)

Gene: FGFR3 (fibroblast growth factor receptor 3; plus strand). Cytogenetic location: 4p16.3.
Variant type: single nucleotide variant.
Coding change: c.649A>G on transcript NM_000142.5 (MANE Select); coding-DNA position 649, A replaced by G.
Protein change: p.Ser217Gly; replaces serine 217 with glycine.
Molecular consequence: missense variant. On other transcripts: non-coding transcript variant (1).
Genome position (GRCh38, 1-based): chr4:1,801,653, A>G. VCF-style: chr4-1801653-A-G. GRCh37 (hg19) VCF-style: chr4-1803380-A-G.
Other names: c.649A>G, p.Ser217Gly (NM_001163213.2, NM_001354809.2, NM_001354810.2 and 1 more transcripts); short protein forms S217G.
Identifiers: ClinVar variation 4802672 (VCV004802672.1).